The following is an entry in ClinVar:

ClinVar aggregate classification (germline): Uncertain significance (1 of 4 stars; one submission).

Conditions:
Spermatogenic failure 18. Identifiers: MedGen C4539783, MONDO:0054615, OMIM 617576.
Ciliary dyskinesia, primary, 37 (CILD37). Also called: CILIARY DYSKINESIA, PRIMARY, 37, WITH OR WITHOUT SITUS INVERSUS. Identifiers: MedGen C4539798, MONDO:0033204, OMIM 617577.

Submission:

Labcorp Genetics (formerly Invitae), Labcorp
Classification: Uncertain significance for Ciliary dyskinesia, primary, 37; Spermatogenic failure 18. Last evaluated: 2022-07-05. Review status: criteria provided, single submitter. Criteria: Invitae Variant Classification Sherloc (09022015). Collection method: clinical testing. Allele origin: germline.
Comment: In summary, the available evidence is currently insufficient to determine the role of this variant in disease. Therefore, it has been classified as a Variant of Uncertain Significance. Algorithms developed to predict the effect of sequence changes on RNA splicing suggest that this variant may create or strengthen a splice site. This sequence change replaces methionine, which is neutral and non-polar, with lysine, which is basic and polar, at codon 2856 of the DNAH1 protein (p.Met2856Lys). This variant is not present in population databases (gnomAD no frequency). This variant has not been reported in the literature in individuals affected with DNAH1-related conditions. ClinVar contains an entry for this variant (Variation ID: 846507). Algorithms developed to predict the effect of missense changes on protein structure and function are either unavailable or do not agree on the potential impact of this missense change (SIFT: "Deleterious"; PolyPhen-2: "Benign"; Align-GVGD: "Class C0").

NM_015512.5(DNAH1):c.8567T>A (p.Met2856Lys)

Gene: DNAH1 (dynein axonemal heavy chain 1; plus strand). Cytogenetic location: 3p21.1.
Variant type: single nucleotide variant.
Coding change: c.8567T>A on transcript NM_015512.5 (MANE Select); coding-DNA position 8567, T replaced by A.
Protein change: p.Met2856Lys; replaces methionine 2856 with lysine.
Molecular consequence: missense variant.
Genome position (GRCh38, 1-based): chr3:52,385,389, T>A. VCF-style: chr3-52385389-T-A. GRCh37 (hg19) VCF-style: chr3-52419405-T-A.
Other names: short protein forms M2856K.
Identifiers: ClinVar variation 846507 (VCV000846507.6), dbSNP rs1265332312, ClinGen allele CA353188809.